The following is an entry in ClinVar:

ClinVar aggregate classification (germline): Uncertain significance. Review status: criteria provided, multiple submitters, no conflicts (2 of 4 stars). 2 submissions from 2 submitters: Uncertain significance (2). Last evaluated 2026-08-17.

Conditions:
PLXNA2-related disorder. Also called: PLXNA2-related condition.

Allele frequency attached by ClinVar (database versions not stated): TOPMed 0.00036; gnomAD exomes 0.00037 and 0.00040; gnomAD 0.00039 and 0.00040; ExAC 0.00041; ESP Exome Variant Server 0.00046.
gnomAD v4.1: 590 of 1,614,236 alleles (0.037%); highest among the groups gnomAD compares: Non-Finnish European, 0.046%; no homozygotes.

Submissions (2):

PreventionGenetics, part of Exact Sciences
Classification: Uncertain significance for PLXNA2-related condition. Last evaluated: 2026-08-17. Review status: criteria provided, single submitter. Criteria: ACMG Guidelines, 2015. Collection method: clinical testing. Allele origin: germline.
Comment: The PLXNA2 c.2234G>A variant is predicted to result in the amino acid substitution p.Gly745Glu. To our knowledge, this variant has not been reported in the literature. This variant is reported in 0.074% of alleles in individuals of European (Non-Finnish) descent in gnomAD, which may be too common to be a primary cause of disease. Although we suspect that this variant may be benign, at this time, the clinical significance of this variant is uncertain due to the absence of conclusive functional and genetic evidence.

Labcorp Genetics (formerly Invitae), Labcorp
Classification: Uncertain significance. Last evaluated: 2026-01-05. Review status: criteria provided, single submitter. Criteria: Invitae Variant Classification Sherloc (09022015). Collection method: clinical testing. Allele origin: germline.
Comment: This sequence change replaces glycine, which is neutral and non-polar, with glutamic acid, which is acidic and polar, at codon 745 of the PLXNA2 protein (p.Gly745Glu). This variant is present in population databases (rs148156850, gnomAD 0.08%), and has an allele count higher than expected for a pathogenic variant. This variant has not been reported in the literature in individuals affected with PLXNA2-related conditions. ClinVar contains an entry for this variant (Variation ID: 1370315). Invitae Evidence Modeling of protein sequence and biophysical properties (such as structural, functional, and spatial information, amino acid conservation, physicochemical variation, residue mobility, and thermodynamic stability) indicates that this missense variant is not expected to disrupt PLXNA2 protein function with a negative predictive value of 80%. In summary, the available evidence is currently insufficient to determine the role of this variant in disease. Therefore, it has been classified as a Variant of Uncertain Significance.

NM_025179.4(PLXNA2):c.2234G>A (p.Gly745Glu)

Gene: PLXNA2 (plexin A2; minus strand). Cytogenetic location: 1q32.2.
Variant type: single nucleotide variant.
Coding change: c.2234G>A on transcript NM_025179.4 (MANE Select); coding-DNA position 2234, G replaced by A.
Protein change: p.Gly745Glu; replaces glycine 745 with glutamic acid.
Molecular consequence: missense variant.
Genome position (GRCh38, 1-based): chr1:208,084,444, C>T on the plus strand (G>A on the coding strand, the complement: PLXNA2 is on the minus strand). VCF-style: chr1-208084444-C-T. GRCh37 (hg19) VCF-style: chr1-208257789-C-T.
Other names: c.2234G>A (NM_025179.3); short protein forms G745E.
Identifiers: ClinVar variation 1370315 (VCV001370315.9), dbSNP rs148156850, ClinGen allele CA1373599.
Genomic context (GRCh38, chr1:208,084,444, plus strand): 5'-CTGTTCTGACACTGAACGCTGGAGCTGTTGAAGCGCAGAGCGGGGACCCGGTGGATGGCT[C>T]CTTGTATGTTGAGGACACACTCATAGCCTCGCTGGCCGGACTGCGGCTGGGGCAGATTTC-3'
Protein context (NP_079455.3, residues 735-755): RGYECVLNIQ[Gly745Glu]AIHRVPALRF